The following is an entry in ClinVar:

NM_022124.6(CDH23):c.4488+32C>G

Gene: CDH23 (cadherin related 23; plus strand). Cytogenetic location: 10q22.1.
Variant type: single nucleotide variant.
Coding change: c.4488+32C>G on transcript NM_022124.6 (MANE Select); 32 bases into the intron after coding-DNA position 4488, C replaced by G.
Molecular consequence: intron variant.
Genome position (GRCh38, 1-based): chr10:71,739,804, C>G. VCF-style: chr10-71739804-C-G. GRCh37 (hg19) VCF-style: chr10-73499561-C-G.
Identifiers: ClinVar variation 261549 (VCV000261549.6), dbSNP rs10762474, ClinGen allele CA5545059.
Genomic context (GRCh38, chr10:71,739,804, plus strand): 5'-GAGAAGAGCTGGATCACTACATCCTCCAGGTGGGGCCTGGCCTCCCTTGGACTGAGAGAC[C>G]ACTGGCTAAGTGCCTAGACCGGTCACTACTCTCCATCCAGGAGAGAGCCTGTCCATCAGC-3'

ClinVar aggregate classification (germline): Benign. Review status: criteria provided, multiple submitters, no conflicts (2 of 4 stars). 5 submissions from 4 submitters: Benign (5). Last evaluated 2021-07-01.

Conditions:
Usher syndrome type 1D (USH1D). Also called: USHER SYNDROME, TYPE ID. Identifiers: Orphanet 231169, Orphanet 886, MedGen C1832845, MONDO:0010984, OMIM 601067.
Autosomal recessive nonsyndromic hearing loss 12. Also called: DEAFNESS, AUTOSOMAL RECESSIVE 12. Identifiers: Orphanet 90636, MedGen C1832394, MONDO:0011067, OMIM 601386.

Allele frequency attached by ClinVar (database versions not stated): 1000 Genomes Project 30x 0.41302; 1000 Genomes Project 0.41593; TOPMed 0.49760; ExAC 0.50738; gnomAD 0.51502; ESP Exome Variant Server 0.54233.
gnomAD v4.1: 871,563 of 1,582,254 alleles (55%); highest among the groups gnomAD compares: Non-Finnish European, 59%; 244,844 homozygotes.

Submissions (5):

Genome-Nilou Lab
Classification: Benign for Usher syndrome type 1D. Last evaluated: 2021-07-01. Review status: criteria provided, single submitter. Criteria: ACMG Guidelines, 2015. Collection method: clinical testing. Allele origin: germline. Affected: no.

Genome-Nilou Lab
Classification: Benign for Autosomal recessive nonsyndromic hearing loss 12. Last evaluated: 2021-07-01. Review status: criteria provided, single submitter. Criteria: ACMG Guidelines, 2015. Collection method: clinical testing. Allele origin: germline. Affected: no.

GeneDx
Classification: Benign. Last evaluated: 2018-06-13. Review status: criteria provided, single submitter. Criteria: GeneDx Variant Classification (06012015). Collection method: clinical testing. Allele origin: germline. Affected: yes.
Comment: This variant is considered likely benign or benign based on one or more of the following criteria: it is a conservative change, it occurs at a poorly conserved position in the protein, it is predicted to be benign by multiple in silico algorithms, and/or has population frequency not consistent with disease.

Breakthrough Genomics
Classification: Benign. Review status: criteria provided, single submitter. Criteria: ACMG Guidelines, 2015. Collection method: not provided. Allele origin: germline. Inheritance: Autosomal recessive inheritance. Affected: yes.

PreventionGenetics, part of Exact Sciences
Classification: Benign. Review status: criteria provided, single submitter. Criteria: ACMG Guidelines, 2015. Collection method: clinical testing. Allele origin: germline.